The following is an entry in ClinVar:

ClinVar aggregate classification (germline): Uncertain significance (1 of 4 stars; one submission).

Submission:

Labcorp Genetics (formerly Invitae), Labcorp
Classification: Uncertain significance. Last evaluated: 2022-07-09. Review status: criteria provided, single submitter. Criteria: Invitae Variant Classification Sherloc (09022015). Collection method: clinical testing. Allele origin: germline.
Comment: This variant, c.1516_1545dup, results in the insertion of 10 amino acid(s) of the PCLO protein (p.Ser506_Gly515dup), but otherwise preserves the integrity of the reading frame. This variant is not present in population databases (gnomAD no frequency). This variant has not been reported in the literature in individuals affected with PCLO-related conditions. ClinVar contains an entry for this variant (Variation ID: 1469261). Experimental studies and prediction algorithms are not available or were not evaluated, and the functional significance of this variant is currently unknown. Algorithms developed to predict the effect of sequence changes on RNA splicing suggest that this variant may create or strengthen a splice site. In summary, the available evidence is currently insufficient to determine the role of this variant in disease. Therefore, it has been classified as a Variant of Uncertain Significance.

NM_033026.6(PCLO):c.1516_1545dup (p.Ser506_Gly515dup)

Gene: PCLO (piccolo presynaptic cytomatrix protein; minus strand). Cytogenetic location: 7q21.11.
Variant type: Duplication.
Coding change: c.1516_1545dup on transcript NM_033026.6 (MANE Select); coding-DNA positions 1516 to 1545, 30 bases duplicated (TCAACAAAACCCCCACCTCAACAGCCTGGC).
Protein change: p.Ser506_Gly515dup.
Molecular consequence: inframe insertion.
Genome position (GRCh38, 1-based): chr7:83,155,096-83,155,125, GCCAGGCTGTTGAGGTGGGGGTTTTGTTGA duplicated on the plus strand (TCAACAAAACCCCCACCTCAACAGCCTGGC on the coding strand, the reverse complement: PCLO is on the minus strand); duplicating any 30 consecutive bases within chr7:83,155,096-83,155,139 gives the same sequence; the c. name uses the placement nearest the transcript's 3' end. VCF-style (leftmost placement, unchanged base first): chr7-83155095-G-GGCCAGGCTGTTGAGGTGGGGGTTTTGTTGA. GRCh37 (hg19) VCF-style: chr7-82784411-G-GGCCAGGCTGTTGAGGTGGGGGTTTTGTTGA.
Other names: c.1516_1545dup, p.Ser506_Gly515dup (NM_014510.3).
Identifiers: ClinVar variation 1469261 (VCV001469261.3), dbSNP rs1562995254, ClinGen allele CA2573142515.